The following is an entry in ClinVar:

ClinVar aggregate classification (germline): Uncertain significance (1 of 4 stars; one submission).

Conditions:
Autosomal dominant centronuclear myopathy. Also called: MYOTUBULAR MYOPATHY, AUTOSOMAL DOMINANT; Myopathy, centronuclear, 3. Identifiers: Orphanet 169189, MedGen C4551952, MeSH D020914, MONDO:0008048, OMIM 160150.

Submission:

Labcorp Genetics (formerly Invitae), Labcorp
Classification: Uncertain significance for Autosomal dominant centronuclear myopathy. Last evaluated: 2022-02-04. Review status: criteria provided, single submitter. Criteria: Invitae Variant Classification Sherloc (09022015). Collection method: clinical testing. Allele origin: germline.
Comment: This sequence change replaces histidine, which is basic and polar, with glutamine, which is neutral and polar, at codon 61 of the MYF6 protein (p.His61Gln). This variant is present in population databases (rs776368255, gnomAD 0.0009%). This variant has not been reported in the literature in individuals affected with MYF6-related conditions. ClinVar contains an entry for this variant (Variation ID: 940107). Algorithms developed to predict the effect of missense changes on protein structure and function are either unavailable or do not agree on the potential impact of this missense change (SIFT: "Tolerated"; PolyPhen-2: "Probably Damaging"; Align-GVGD: "Class C0"). In summary, the available evidence is currently insufficient to determine the role of this variant in disease. Therefore, it has been classified as a Variant of Uncertain Significance.

NM_002469.3(MYF6):c.183T>G (p.His61Gln)

Gene: MYF6 (myogenic factor 6; plus strand). Cytogenetic location: 12q21.31.
Variant type: single nucleotide variant.
Coding change: c.183T>G on transcript NM_002469.3 (MANE Select); coding-DNA position 183, T replaced by G.
Protein change: p.His61Gln; replaces histidine 61 with glutamine.
Molecular consequence: missense variant.
Genome position (GRCh38, 1-based): chr12:80,707,902, T>G. VCF-style: chr12-80707902-T-G. GRCh37 (hg19) VCF-style: chr12-81101681-T-G.
Other names: short protein forms H61Q.
Identifiers: ClinVar variation 940107 (VCV000940107.11), dbSNP rs776368255, ClinGen allele CA6703040.